The following is an entry in ClinVar:

NM_001267550.2(TTN):c.64672G>T (p.Asp21558Tyr)

Genes: TTN (titin; minus strand), TTN-AS1 (TTN antisense RNA 1; plus strand). Cytogenetic location: 2q31.2.
Variant type: single nucleotide variant.
Coding change: c.64672G>T on transcript NM_001267550.2 (MANE Select); coding-DNA position 64672, G replaced by T.
Protein change: p.Asp21558Tyr; replaces aspartic acid 21558 with tyrosine.
Molecular consequence: missense variant.
Genome position (GRCh38, 1-based): chr2:178,585,072, C>A on the plus strand (G>T on the coding strand, the complement: TTN is on the minus strand). VCF-style: chr2-178585072-C-A. GRCh37 (hg19) VCF-style: chr2-179449799-C-A.
Other names: c.59749G>T, p.Asp19917Tyr (NM_001256850.1); c.37477G>T, p.Asp12493Tyr (NM_003319.4); c.56968G>T, p.Asp18990Tyr (NM_133378.4); c.37852G>T, p.Asp12618Tyr (NM_133432.3); c.38053G>T, p.Asp12685Tyr (NM_133437.4); short protein forms D12685Y, D12493Y, D12618Y, D19917Y, D21558Y, D18990Y.
Identifiers: ClinVar variation 2923445 (VCV002923445.3), dbSNP rs200086516, ClinGen allele CA349438517.

ClinVar aggregate classification (germline): Uncertain significance (1 of 4 stars; one submission).

Conditions:
Dilated cardiomyopathy 1G (CMD1G). Identifiers: Orphanet 154, MedGen C1858763, MONDO:0011400, OMIM 604145.
Autosomal recessive limb-girdle muscular dystrophy type 2J (LGMDR10). Also called: Limb-girdle muscular dystrophy, type 2J; MUSCULAR DYSTROPHY, LIMB-GIRDLE, AUTOSOMAL RECESSIVE 10. Identifiers: Orphanet 140922, MedGen C1837342, MONDO:0012127, OMIM 608807.

Submission:

Labcorp Genetics (formerly Invitae), Labcorp
Classification: Uncertain significance for Dilated cardiomyopathy 1G; Autosomal recessive limb-girdle muscular dystrophy type 2J. Last evaluated: 2023-10-11. Review status: criteria provided, single submitter. Criteria: Invitae Variant Classification Sherloc (09022015). Collection method: clinical testing. Allele origin: germline.
Comment: This sequence change replaces aspartic acid, which is acidic and polar, with tyrosine, which is neutral and polar, at codon 21558 of the TTN protein (p.Asp21558Tyr). This variant also falls at the last nucleotide of exon 309, which is part of the consensus splice site for this exon. This variant is not present in population databases (gnomAD no frequency). This variant has not been reported in the literature in individuals affected with TTN-related conditions. Experimental studies and prediction algorithms are not available or were not evaluated, and the functional significance of this variant is currently unknown. Variants that disrupt the consensus splice site are a relatively common cause of aberrant splicing (PMID: 17576681, 9536098). This variant is located in the A band of TTN (PMID: 25589632). Variants in this region may be relevant for cardiac or neuromuscular disorders (PMID: 25589632, 23975875). In summary, the available evidence is currently insufficient to determine the role of this variant in disease. Therefore, it has been classified as a Variant of Uncertain Significance.

Literature cited by the submitters: PubMed 17576681; PubMed 9536098; PubMed 25589632; PubMed 23975875.